The following is an entry in ClinVar:

NM_004947.5(DOCK3):c.5020A>T (p.Met1674Leu)

Gene: DOCK3 (dedicator of cytokinesis 3; plus strand). Cytogenetic location: 3p21.2.
Variant type: single nucleotide variant.
Coding change: c.5020A>T on transcript NM_004947.5 (MANE Select); coding-DNA position 5020, A replaced by T.
Protein change: p.Met1674Leu; replaces methionine 1674 with leucine.
Molecular consequence: missense variant.
Genome position (GRCh38, 1-based): chr3:51,361,872, A>T. VCF-style: chr3-51361872-A-T. GRCh37 (hg19) VCF-style: chr3-51399303-A-T.
Other names: short protein forms M1674L.
Identifiers: ClinVar variation 547977 (VCV000547977.20), dbSNP rs142515812, ClinGen allele CA2421914.

ClinVar aggregate classification (germline): Conflicting classifications of pathogenicity. Review status: criteria provided, conflicting classifications (1 of 4 stars). 5 submissions from 5 submitters: Uncertain significance (3); Likely benign (1). 1 of the submissions does not count toward it. Last evaluated 2025-04-01.

Conditions:
Neurodevelopmental disorder with impaired intellectual development, hypotonia, and ataxia. Identifiers: MedGen C4749014, MONDO:0032661, OMIM 618292.

Allele frequency attached by ClinVar (database versions not stated): 1000 Genomes Project 0.00080; gnomAD 0.00126 and 0.00129; gnomAD exomes 0.00126; ExAC 0.00137; 1000 Genomes Project 30x 0.00094; TOPMed 0.00108; ESP Exome Variant Server 0.00109.

Submissions (5):

CeGaT Center for Human Genetics Tuebingen
Classification: Uncertain significance. Last evaluated: 2025-04-01. Review status: criteria provided, single submitter. Criteria: CeGaT Center For Human Genetics Tuebingen Variant Classification Criteria Version 2. Collection method: clinical testing. Allele origin: germline. Affected: yes. Observed: 1 variant allele.
Comment: DOCK3: PM3, PM2:Supporting, BP4

Blueprint Genetics
Classification: Uncertain significance. Last evaluated: 2024-11-23. Review status: criteria provided, single submitter. Criteria: ACMG Guidelines, 2015. Collection method: clinical testing. Allele origin: germline.

Labcorp Genetics (formerly Invitae), Labcorp
Classification: Likely benign. Last evaluated: 2019-12-31. Review status: criteria provided, single submitter. Criteria: Invitae Variant Classification Sherloc (09022015). Collection method: clinical testing. Allele origin: germline.

Mayo Clinic Laboratories, Mayo Clinic
Classification: Uncertain significance. Last evaluated: 2017-05-30. Review status: criteria provided, single submitter. Criteria: ACMG Guidelines, 2015. Collection method: clinical testing. Allele origin: biparental.

OMIM
Classification: Pathogenic for NEURODEVELOPMENTAL DISORDER WITH IMPAIRED INTELLECTUAL DEVELOPMENT, HYPOTONIA, AND ATAXIA. Last evaluated: 2020-08-13. Review status: no assertion criteria provided. Collection method: literature only. Allele origin: germline. Not counted in ClinVar's aggregate classification.

Literature cited by the submitters: PubMed 30976111 (cited by OMIM).